The following is an entry in ClinVar:

NM_000059.4(BRCA2):c.7541A>C (p.Lys2514Thr)

Gene: BRCA2 (BRCA2 DNA repair associated; plus strand). Cytogenetic location: 13q13.1.
Variant type: single nucleotide variant.
Coding change: c.7541A>C on transcript NM_000059.4 (MANE Select); coding-DNA position 7541, A replaced by C.
Protein change: p.Lys2514Thr; replaces lysine 2514 with threonine.
Molecular consequence: missense variant.
Genome position (GRCh38, 1-based): chr13:32,356,533, A>C. VCF-style: chr13-32356533-A-C. GRCh37 (hg19) VCF-style: chr13-32930670-A-C.
Other names: short protein forms K2514T.
Identifiers: ClinVar variation 462443 (VCV000462443.9), dbSNP rs1555286275, ClinGen allele CA387743633.

ClinVar aggregate classification (germline): Uncertain significance (1 of 4 stars; one submission).

Conditions:
Hereditary breast ovarian cancer syndrome. Also called: Hereditary breast and ovarian cancer syndrome (HBOC); Hereditary breast and ovarian cancer syndrome; Breast and ovarian cancer; Hereditary breast and/or ovarian cancer syndrome; Hereditary breast and ovarian cancer; BRCA1- and BRCA2-Associated Hereditary Breast and Ovarian Cancer. Identifiers: Orphanet 145, MedGen C0677776, MeSH D061325, MONDO:0003582. Disease mechanism: loss of function.

Submission:

Labcorp Genetics (formerly Invitae), Labcorp
Classification: Uncertain significance for Hereditary breast ovarian cancer syndrome. Last evaluated: 2022-12-06. Review status: criteria provided, single submitter. Criteria: Invitae Variant Classification Sherloc (09022015). Collection method: clinical testing. Allele origin: germline.
Comment: This sequence change replaces lysine, which is basic and polar, with threonine, which is neutral and polar, at codon 2514 of the BRCA2 protein (p.Lys2514Thr). In summary, the available evidence is currently insufficient to determine the role of this variant in disease. Therefore, it has been classified as a Variant of Uncertain Significance. Advanced modeling of protein sequence and biophysical properties (such as structural, functional, and spatial information, amino acid conservation, physicochemical variation, residue mobility, and thermodynamic stability) performed at Invitae indicates that this missense variant is not expected to disrupt BRCA2 protein function. ClinVar contains an entry for this variant (Variation ID: 462443). This variant has not been reported in the literature in individuals affected with BRCA2-related conditions. This variant is not present in population databases (gnomAD no frequency).